The following is an entry in ClinVar:

NM_000465.4(BARD1):c.1874T>G (p.Leu625Arg)

Gene: BARD1 (BRCA1 associated RING domain 1; minus strand). Cytogenetic location: 2q35.
Variant type: single nucleotide variant.
Coding change: c.1874T>G on transcript NM_000465.4 (MANE Select); coding-DNA position 1874, T replaced by G.
Protein change: p.Leu625Arg; replaces leucine 625 with arginine.
Molecular consequence: missense variant. On other transcripts: non-coding transcript variant (3), intron variant (1).
Genome position (GRCh38, 1-based): chr2:214,745,096, A>C on the plus strand (T>G on the coding strand, the complement: BARD1 is on the minus strand). VCF-style: chr2-214745096-A-C. GRCh37 (hg19) VCF-style: chr2-215609820-A-C.
Other names: c.1817T>G, p.Leu606Arg (NM_001282543.2); c.521T>G, p.Leu174Arg (NM_001282545.2); c.464T>G, p.Leu155Arg (NM_001282548.2); c.365-14588T>G (NM_001282549.2); short protein forms L174R, L625R, L606R, L155R.
Identifiers: ClinVar variation 1484622 (VCV001484622.7), dbSNP rs1217702482, ClinGen allele CA350452110.

ClinVar aggregate classification (germline): Uncertain significance (1 of 4 stars; one submission).

Conditions:
Familial cancer of breast. Also called: Hereditary breast cancer; BREAST CANCER, FAMILIAL; hereditary breast carcinoma. Identifiers: Orphanet 227535, MedGen C0346153, MONDO:0016419, OMIM 114480. Disease mechanism: loss of function.

Allele frequency attached by ClinVar (database versions not stated): gnomAD exomes below 0.00001.
gnomAD v4.1: 1 of 1,614,060 alleles (0.000062%); highest among the groups gnomAD compares: Admixed American, 0.0017%; no homozygotes.

Submission:

Labcorp Genetics (formerly Invitae), Labcorp
Classification: Uncertain significance for Familial cancer of breast. Last evaluated: 2021-11-19. Review status: criteria provided, single submitter. Criteria: Invitae Variant Classification Sherloc (09022015). Collection method: clinical testing. Allele origin: germline.
Comment: In summary, the available evidence is currently insufficient to determine the role of this variant in disease. Therefore, it has been classified as a Variant of Uncertain Significance. Algorithms developed to predict the effect of missense changes on protein structure and function (SIFT, PolyPhen-2, Align-GVGD) all suggest that this variant is likely to be disruptive. This variant has not been reported in the literature in individuals affected with BARD1-related conditions. This variant is present in population databases (no rsID available, gnomAD 0.003%). This sequence change replaces leucine, which is neutral and non-polar, with arginine, which is basic and polar, at codon 625 of the BARD1 protein (p.Leu625Arg).